The following continues an entry in ClinVar:

NM_000152.5(GAA):c.-32-13T>G

Gene: GAA. ClinVar aggregate classification (germline): Pathogenic. Pathogenic (1).

Submissions 14 to 24 of 77:

ARUP Laboratories, Molecular Genetics and Genomics, ARUP Laboratories
Classification: Pathogenic for Glycogen storage disease, type II. Last evaluated: 2025-05-29. Review status: criteria provided, single submitter. Criteria: ARUP Molecular Germline Variant Investigation Process 2024. Collection method: clinical testing. Allele origin: germline. Not counted in ClinVar's aggregate classification.
Comment: The GAA c.-32-13T>G variant (rs386834236), also known as c.-45T>G, is reported in the literature in multiple individuals affected with adult-onset Pompe disease (Beltran Papsdorf 2014, Boerkoel 1995, Dardis 2014, Golsari 2018, Gort 2007, Kroos 1995, Montalvo 2006, Musumeci 2015, Sacconi 2014). This variant is reported in ClinVar (Variation ID: 4027), and is found in the general population with an overall allele frequency of 0.34% (856/251,700 alleles, including a single homozygote) in the Genome Aggregation Database. This is an intronic variant in a weakly conserved nucleotide, but computational analyses (Alamut v.2.11) predict that this variant may impact splicing by weakening the nearby canonical acceptor splice site. Functional characterization indicates that the variant causes aberrant splicing of the GAA RNA, resulting in most transcripts lacking exon 2 containing the canonical start codon (Boerkoel 1995, Dardis 2014). However, small amounts of full-length transcripts is still generated, resulting in varying amount of residual GAA activity in the patients (Gort 2007, Kroos 1995, Musumeci 2015, Sacconi 2014). Based on available information, the c.-32-13T>G variant is considered to be pathogenic. References: Beltran Papsdorf T et al. Pearls & Oy-sters: clues to the diagnosis of adult-onset acid maltase deficiency. Neurology. 2014 82(9):e73-5. PubMed: 24590251. Boerkoel C et al. Leaky splicing mutation in the acid maltase gene is associated with delayed onset of glycogenosis type II. Am J Hum Genet. 1995 Apr;56(4):887-97. PMID: 7717400. Dardis A et al. Functional characterization of the common c.-32-13T>G mutation of GAA gene: identification of potential therapeutic agents. Nucleic Acids Res. 2014 42(2):1291-302. PubMed: 24150945. Golsari A et al. Prevalence of adult Pompe disease in patients with proximal myopathic syndrome and undiagnosed muscle biopsy. Neuromuscul Disord. 2018 Mar;28(3):257-261. PubMed: 29326002. Gort L et al. Glycogen storage disease type II in Spanish patients: high frequency of c.1076-1G>C mutation. Mol Genet Metab. 2007 92(1-2):183-7. PMID: 17616415. Kross M et al. Glycogen storage disease type II: frequency of three common mutant alleles and their associated clinical phenotypes studied in 121 patients. J Med Genet. 1995 32(10):836-7. PMID: 17210890. Montalvo A et al. Mutation profile of the GAA gene in 40 Italian patients with late onset glycogen storage disease type II. Hum Mutat. 2006 27(10):999-1006. PMID: 16917947. Musumeci O et al. Homozygosity for the common GAA gene splice site mutation c.-32-13T>G in Pompe disease is associated with the classical adult phenotypical spectrum. Neuromuscul Disord. 2015 25(9):719-24. PMID: 26231297. Sacconi S et al. Atrio-ventricular block requiring pacemaker in patients with late onset Pompe disease. Neuromuscul Disord. 2014 24(7):648-50. PMID: 24844452.

Institute of Human Genetics, University of Leipzig Medical Center
Classification: Pathogenic for Glycogen storage disease, type II. Last evaluated: 2025-05-21. Review status: criteria provided, single submitter. Criteria: ACMG Guidelines, 2015. Collection method: clinical testing. Allele origin: unknown. Inheritance: Autosomal recessive inheritance. Affected: yes. Not counted in ClinVar's aggregate classification.
Comment: Criteria applied: PVS1_STR,PM3_VSTR,PP4_MOD

Mayo Clinic Laboratories, Mayo Clinic
Classification: Pathogenic. Last evaluated: 2025-03-24. Review status: criteria provided, single submitter. Criteria: ACMG Guidelines, 2015. Collection method: clinical testing. Allele origin: germline. Observed: 39 variant alleles. Not counted in ClinVar's aggregate classification.

First Genomix Gene Laboratory, Genetic Diagnostics Department
Classification: Pathogenic for Glycogen storage disease, type II. Last evaluated: 2025-03-17. Review status: criteria provided, single submitter. Criteria: ACMG Guidelines, 2015. Collection method: clinical testing. Allele origin: germline. Inheritance: Autosomal recessive inheritance. Affected: no. Observed: 1 variant allele. Not counted in ClinVar's aggregate classification.

Women's Health and Genetics/Laboratory Corporation of America, LabCorp
Classification: Pathogenic for Glycogen storage disease, type II. Last evaluated: 2025-03-05. Review status: criteria provided, single submitter. Criteria: LabCorp Variant Classification Summary - May 2015. Collection method: clinical testing. Allele origin: germline. Not counted in ClinVar's aggregate classification.
Comment: Variant summary: GAA c.-32-13T>G is located in the untranslated mRNA region upstream of the initiation codon. At least one publication reports experimental evidence that this variant affects mRNA splicing showing the variant leads to an alternate transcript with exon 2 skipping, with low residual transcription of the WT transcript (e.g. Boerkoel_1995). The variant allele was found at a frequency of 0.0034 in 220344 control chromosomes in the gnomAD database, including 1 homozygote. c.-32-13T>G has been reported in the literature in multiple individuals affected with Late Onset Pompe Disease, including as a compound heterozygous genotype (e.g. Hermans_2004, Boerkoel_1995, Fidzianska_2011). These data indicate that the variant is very likely to be associated with disease. At least one publication reports experimental evidence evaluating an impact on protein function. The most pronounced variant effect results in ~12% of normal enzyme activity, attributed to low levels of the WT mRNA transcription (e.g. Boerkoel_1995). The following publications have been ascertained in the context of this evaluation (PMID: 21109266, 14695532, 7717400). ClinVar contains an entry for this variant (Variation ID: 4027). Based on the evidence outlined above, the variant was classified as pathogenic.

Laboratory of Genetics, Children's Clinical University Hospital Latvia
Classification: Pathogenic. Last evaluated: 2025-02-16. Review status: criteria provided, single submitter. Criteria: ACMG Guidelines, 2015. Collection method: clinical testing. Allele origin: germline. Affected: yes. Not counted in ClinVar's aggregate classification.

Clinical Omics and Informatics (COIN) Unit, Neuroscience Institute, University Of Cape Town
Classification: Pathogenic for Glycogen storage disease, type II. Last evaluated: 2025-02-10. Review status: criteria provided, single submitter. Criteria: ACMG Guidelines, 2015. Collection method: research. Allele origin: germline. Inheritance: Autosomal recessive inheritance. Affected: yes. Observed: 1 variant allele, 1 compound heterozygote. Not counted in ClinVar's aggregate classification.
Comment: The heterozygous c.-32-13T>G variant in GAA has been identified in the compound heterozygous state, with multiple loss of function and missense variants, in at least 129 individuals with GSDII in the literature (PMID: 17210890, 16917947) and in 0.554% (45/8122) of Ashkenazi Jewish chromosomes, 0.5293% (614/116004) of European (non-Finnish) chromosomes, and 1 homozygote by the Genome Aggregation Database (gnomAD; dbSNP rs386834236). Although this variant has been seen in the general population, its frequency is not high enough to rule out a pathogenic role. Please note that for diseases with clinical variability, pathogenic variants may be present in the homozygous state at a low frequency in the general population. This variant has also been reported pathogenic in ClinVar by at least 17 submitters (Variation ID: 4027). In vitro functional studies provide some evidence that the c.-32-13T>G variant may impact a splicing factor that affects Exon 2. Wild-type mRNA production was improved in patient fibroblasts with rescue of the splicing factor (PMID: 24150945). However, these types of assays may not accurately represent biological function. Computational prediction tools and conservation analyses do not provide strong support for or against an impact to the protein. This variant has been seen in combination with multiple reported pathogenic variants and in 129 individuals with GSDII (PMID: 22676651). The phenotype of an individual homozygous for this variant is highly specific for GSDII based on GAA activity less than 10% in patient cells consistent with disease (PMID: 16917947). In summary, the c.-32-13T>G variant is pathogenic based off of our findings, multiple reports in ClinVar, and the literature. ACMG/AMP Criteria applied: PM3_strong, PS3, PP4 (Richards 2015). Sequencing funded by the International Centre for Genomic Medicine in Neuromuscular Diseases (ICGNMD).

Clinical Genetics Laboratory, University Hospital Schleswig-Holstein
Classification: Pathogenic for Glycogen storage disease, type II. Last evaluated: 2024-12-05. Review status: criteria provided, single submitter. Criteria: ACMG Guidelines, 2015. Collection method: clinical testing. Allele origin: germline. Affected: yes. Not counted in ClinVar's aggregate classification.

Blueprint Genetics
Classification: Pathogenic for GAA-related disorders. Last evaluated: 2024-11-01. Review status: criteria provided, single submitter. Criteria: ACMG Guidelines, 2015. Collection method: clinical testing. Allele origin: de novo. Affected: yes. Observed: 5 variant alleles. Not counted in ClinVar's aggregate classification.

Centre of Medical Genetics, University Hospital Muenster
Classification: Likely pathogenic. Last evaluated: 2024-09-25. Review status: criteria provided, single submitter. Criteria: ACMG Guidelines, 2015. Collection method: clinical testing. Allele origin: unknown. Affected: yes. Observed: 1 variant allele, 1 heterozygote. Not counted in ClinVar's aggregate classification.
Comment: ACMG categories: PS3,PM3_strong,PP4

Genomic Medicine Center of Excellence, King Faisal Specialist Hospital and Research Centre
Classification: Likely pathogenic for Glycogen storage disease, type II. Last evaluated: 2024-03-17. Review status: criteria provided, single submitter. Criteria: ACMG Guidelines, 2015. Collection method: research. Allele origin: germline. Not counted in ClinVar's aggregate classification.